The following is an entry in ClinVar:

ClinVar aggregate classification (germline): Conflicting classifications of pathogenicity. Review status: criteria provided, conflicting classifications (1 of 4 stars). 3 submissions from 3 submitters: Uncertain significance (1); Likely benign (2). Last evaluated 2026-02-04.

Conditions:
Charcot-Marie-Tooth disease type 2. Also called: Charcot-Marie-Tooth type 2. Identifiers: Orphanet 64746, MedGen C0270914, MONDO:0018993.
GARS1-related disorder. Also called: GARS1-related condition.

Allele frequency attached by ClinVar (database versions not stated): gnomAD exomes below 0.00001; gnomAD 0.00002; TOPMed 0.00002.

Submissions (3):

PreventionGenetics, part of Exact Sciences
Classification: Likely benign for GARS1-related condition. Last evaluated: 2026-02-04. Review status: criteria provided, single submitter. Criteria: ACMG Guidelines, 2015. Collection method: clinical testing. Allele origin: germline.
Comment: This variant is classified as likely benign based on ACMG/AMP sequence variant interpretation guidelines (Richards et al. 2015 PMID: 25741868, with internal and published modifications).

Revvity Omics, Revvity
Classification: Uncertain significance. Last evaluated: 2023-11-21. Review status: criteria provided, single submitter. Criteria: ACMG Guidelines, 2015. Collection method: clinical testing. Allele origin: germline.

Labcorp Genetics (formerly Invitae), Labcorp
Classification: Likely benign for Charcot-Marie-Tooth disease type 2. Last evaluated: 2023-11-02. Review status: criteria provided, single submitter. Criteria: Invitae Variant Classification Sherloc (09022015). Collection method: clinical testing. Allele origin: germline.

NM_002047.4(GARS1):c.1533T>C (p.Asp511=)

Gene: GARS1 (glycyl-tRNA synthetase 1; plus strand). Cytogenetic location: 7p14.3.
Variant type: single nucleotide variant.
Coding change: c.1533T>C on transcript NM_002047.4 (MANE Select); coding-DNA position 1533, T replaced by C.
Protein change: p.Asp511=; no amino-acid change (aspartic acid 511 retained).
Molecular consequence: synonymous variant.
Genome position (GRCh38, 1-based): chr7:30,622,382, T>C. VCF-style: chr7-30622382-T-C. GRCh37 (hg19) VCF-style: chr7-30661998-T-C.
Other names: c.1371T>C, p.Asp457= (NM_001316772.1); c.1533T>C (NM_002047.3, NM_002047.2).
Identifiers: ClinVar variation 1680943 (VCV001680943.11), dbSNP rs1388554818, ClinGen allele CA454254584.